The following is an entry in ClinVar:

NM_002180.3(IGHMBP2):c.439C>T (p.Arg147Ter)

Gene: IGHMBP2 (immunoglobulin mu DNA binding protein 2; plus strand). Cytogenetic location: 11q13.3.
Variant type: single nucleotide variant.
Coding change: c.439C>T on transcript NM_002180.3 (MANE Select); coding-DNA position 439, C replaced by T.
Protein change: p.Arg147Ter; replaces arginine 147 with a stop codon.
Molecular consequence: nonsense.
Genome position (GRCh38, 1-based): chr11:68,908,327, C>T. VCF-style: chr11-68908327-C-T. GRCh37 (hg19) VCF-style: chr11-68675795-C-T.
Other names: short protein forms R147*.
Identifiers: ClinVar variation 521206 (VCV000521206.62), dbSNP rs1324667543, ClinGen allele CA381643380.

ClinVar aggregate classification (germline): Pathogenic. Review status: criteria provided, multiple submitters, no conflicts (2 of 4 stars). 9 submissions from 9 submitters: Pathogenic (8). 1 of the submissions does not count toward it. Last evaluated 2025-03-15.

Conditions:
Autosomal recessive distal spinal muscular atrophy 1. Also called: NEURONOPATHY, DISTAL HEREDITARY MOTOR, HARDING TYPE VI; NEUROPATHY, DISTAL HEREDITARY MOTOR, AUTOSOMAL RECESSIVE 1; SEVERE INFANTILE AXONAL NEUROPATHY WITH RESPIRATORY FAILURE; SPINAL MUSCULAR ATROPHY, DIAPHRAGMATIC; HMN VI; NEURONOPATHY, SEVERE INFANTILE AXONAL, WITH RESPIRATORY FAILURE. Identifiers: Orphanet 98920, MedGen C1858517, MONDO:0011436, OMIM 604320.
Charcot-Marie-Tooth disease axonal type 2S. Also called: CHARCOT-MARIE-TOOTH NEUROPATHY, TYPE 2S; CHARCOT-MARIE-TOOTH DISEASE, AXONAL, AUTOSOMAL RECESSIVE, TYPE 2S. Identifiers: Orphanet 443073, MedGen C4015349, MONDO:0014511, OMIM 616155.
Neuronopathy, distal hereditary motor, autosomal dominant. Also called: Autosomal dominant distal hereditary motor neuropathy. Identifiers: Orphanet 140465, MedGen C5548212, MONDO:0015362.
Inborn genetic diseases. Identifiers: MedGen C0950123, MeSH D030342.

Allele frequency attached by ClinVar (database versions not stated): gnomAD exomes below 0.00001; gnomAD 0.00001; TOPMed 0.00001.
gnomAD v4.1: 13 of 1,613,534 alleles (0.00081%); highest among the groups gnomAD compares: Admixed American, 0.0033%; no homozygotes.

Submissions (9):

Labcorp Genetics (formerly Invitae), Labcorp
Classification: Pathogenic for Autosomal recessive distal spinal muscular atrophy 1; Charcot-Marie-Tooth disease axonal type 2S. Last evaluated: 2025-03-15. Review status: criteria provided, single submitter. Criteria: Invitae Variant Classification Sherloc (09022015). Collection method: clinical testing. Allele origin: germline.
Comment: This sequence change creates a premature translational stop signal (p.Arg147*) in the IGHMBP2 gene. It is expected to result in an absent or disrupted protein product. Loss-of-function variants in IGHMBP2 are known to be pathogenic (PMID: 14681881, 25439726, 25568292). This variant is present in population databases (no rsID available, gnomAD 0.01%). This premature translational stop signal has been observed in individuals with autosomal recessive spinal muscular atrophy with respiratory distress type 1 (SMARD1) (PMID: 14681881, 24388491, 26709713). ClinVar contains an entry for this variant (Variation ID: 521206). Algorithms developed to predict the effect of sequence changes on RNA splicing suggest that this variant may create or strengthen a splice site. For these reasons, this variant has been classified as Pathogenic.

CeGaT Center for Human Genetics Tuebingen
Classification: Pathogenic. Last evaluated: 2024-04-01. Review status: criteria provided, single submitter. Criteria: CeGaT Center For Human Genetics Tuebingen Variant Classification Criteria Version 2. Collection method: clinical testing. Allele origin: germline. Affected: yes. Observed: 2 variant alleles.
Comment: IGHMBP2: PVS1, PM2, PM3:Supporting

Fulgent Genetics
Classification: Pathogenic for Autosomal recessive distal spinal muscular atrophy 1; Charcot-Marie-Tooth disease axonal type 2S. Last evaluated: 2024-03-05. Review status: criteria provided, single submitter. Criteria: ACMG Guidelines, 2015. Collection method: clinical testing. Allele origin: germline.

GeneDx
Classification: Pathogenic. Last evaluated: 2023-03-26. Review status: criteria provided, single submitter. Criteria: GeneDx Variant Classification Process June 2021. Collection method: clinical testing. Allele origin: germline. Affected: yes.
Comment: Nonsense variant predicted to result in protein truncation or nonsense mediated decay in a gene for which loss-of-function is a known mechanism of disease; Not observed at significant frequency in large population cohorts (gnomAD); This variant is associated with the following publications: (PMID: 19158098, 26709713, 25525159, 25254343, 26298607, 25439726, 25568292, 24922459, 14506069, 14681881, 24388491, 31589614, 36077311, 35086940)

Revvity Omics, Revvity
Classification: Pathogenic. Last evaluated: 2019-06-11. Review status: criteria provided, single submitter. Criteria: ACMG Guidelines, 2015. Collection method: clinical testing. Allele origin: germline.

Ambry Genetics
Classification: Pathogenic for Inborn genetic diseases. Last evaluated: 2016-07-26. Review status: criteria provided, single submitter. Criteria: Ambry exome assertion method (8-5-2015). Collection method: clinical testing. Allele origin: germline. Affected: yes. Observed: 1 variant allele.

Imagene.me medical diagnostic laboratory, IMAGENE.ME SA
Classification: Pathogenic for Charcot-Marie-Tooth disease axonal type 2S. Review status: criteria provided, single submitter. Criteria: IMAGENE.ME Variant Classification SOP 2022. Collection method: clinical testing. Allele origin: germline. Affected: yes.
Comment: Classified according to the IMAGENE.ME variant classification SOP based on the ACMG guidelines as Pathogenic (P): PVS1 + PM2 + PP4 + PP5

Juno Genomics, Hangzhou Juno Genomics, Inc
Classification: Pathogenic for Autosomal recessive distal spinal muscular atrophy 1; Charcot-Marie-Tooth disease axonal type 2S. Review status: criteria provided, single submitter. Criteria: ACMG Guidelines, 2015. Collection method: clinical testing. Allele origin: germline.
Comment: Null variant in a gene where loss of function (LOF) is a known mechanism of disease.;Absent from controls (or at extremely low frequency if recessive) in Genome Aggregation Database.;For recessive disorders, detected in trans with a pathogenic variant.;Co-segregation with disease in multiple affected family members.

Inherited Neuropathy Consortium
Classification: Uncertain significance for Autosomal dominant distal hereditary motor neuropathy. Review status: no assertion criteria provided. Collection method: literature only. Allele origin: germline. Affected: yes. Not counted in ClinVar's aggregate classification.

Literature cited by the submitters: PubMed 14681881 (cited by Labcorp Genetics (formerly Invitae), Labcorp and Inherited Neuropathy Consortium); PubMed 25439726 (cited by Labcorp Genetics (formerly Invitae), Labcorp); PubMed 25568292 (cited by Labcorp Genetics (formerly Invitae), Labcorp); PubMed 24388491 (cited by Labcorp Genetics (formerly Invitae), Labcorp); PubMed 26709713 (cited by Labcorp Genetics (formerly Invitae), Labcorp).